The following continues an entry in ClinVar:

NM_000104.4(CYP1B1):c.1200_1209dup (p.Thr404fs)

Gene: CYP1B1. ClinVar aggregate classification (germline): Pathogenic. Pathogenic (1).

Submissions 8 to 22 of 22:

GeneDx
Classification: Pathogenic. Last evaluated: 2025-05-22. Review status: criteria provided, single submitter. Criteria: GeneDx Variant Classification Process June 2021. Collection method: clinical testing. Allele origin: germline. Affected: yes. Not counted in ClinVar's aggregate classification.
Comment: Frameshift variant predicted to result in abnormal protein length as the last 140 amino acids are replaced with 29 different amino acids, and other similar variants have been reported in HGMD; This variant is associated with the following publications: (PMID: 14729846, 28448622, 23922489, 30484747, 35011756, 25750510, 36460718, 34730456, 24281366, 27508083, 16735994, 12567107, 11558822, 12036985, 9497261, 27272408, 19234632, 17591938, 26689913, 32499604, 30820150, 25836661, 34426522, 31589614, 17361544, 35170016, 32832252)

3billion
Classification: Pathogenic for CYP1B1-related disorder. Last evaluated: 2025-03-28. Review status: criteria provided, single submitter. Criteria: ACMG Guidelines, 2015. Collection method: clinical testing. Allele origin: germline. Affected: yes. Not counted in ClinVar's aggregate classification.
Comment: The variant is observed at an extremely low frequency in the gnomAD v4.1.0 dataset (total allele frequency: 0.019%).Predicted Consequence/Location: Frameshift: predicted to result in a loss or disruption of normal protein function through protein truncation. The predicted truncated protein may be shortened by more than 10%. The variant was homozygous. The variant has been reported at least twice as pathogenic with clinical assertions and evidence for the classification (ClinVar ID: VCV000068466 / PMID: 9497261 / 3billion dataset). Therefore, this variant is classified as Pathogenic according to the recommendation of ACMG/AMP guideline.

Blueprint Genetics
Classification: Pathogenic for CYP1B1-related disorders. Last evaluated: 2024-09-12. Review status: criteria provided, single submitter. Criteria: ACMG Guidelines, 2015. Collection method: clinical testing. Allele origin: germline. Affected: yes. Observed: 5 variant alleles. Not counted in ClinVar's aggregate classification.

North West Genomic Laboratory Hub, Manchester University NHS Foundation Trust
Classification: Pathogenic for Structural eye disease. Last evaluated: 2024-08-08. Review status: criteria provided, single submitter. Criteria: ACGS Best Practice Guidelines for Variant Classification in Rare Disease 2020. Collection method: clinical testing. Allele origin: germline. Affected: yes. Not counted in ClinVar's aggregate classification.
Comment: PVS1_Str PM2_Mod PP1_Mod PM3_VStr

Fulgent Genetics
Classification: Pathogenic for Glaucoma 3A; Anterior segment dysgenesis 6. Last evaluated: 2024-03-29. Review status: criteria provided, single submitter. Criteria: ACMG Guidelines, 2015. Collection method: clinical testing. Allele origin: germline. Not counted in ClinVar's aggregate classification.

Baylor Genetics
Classification: Pathogenic for Anterior segment dysgenesis 6. Last evaluated: 2024-03-18. Review status: criteria provided, single submitter. Criteria: ACMG Guidelines, 2015. Collection method: clinical testing. Allele origin: unknown. Not counted in ClinVar's aggregate classification.

Laboratorio de Genetica e Diagnostico Molecular, Hospital Israelita Albert Einstein
Classification: Pathogenic for Glaucoma 3A. Last evaluated: 2023-01-31. Review status: criteria provided, single submitter. Criteria: ACMG Guidelines, 2015. Collection method: clinical testing. Allele origin: germline. Affected: yes. Observed: 2 variant alleles. Not counted in ClinVar's aggregate classification.
Comment: ACMG classification criteria: PVS1 strong, PM3 very strong, PP1 supporting

Revvity Omics, Revvity
Classification: Pathogenic. Last evaluated: 2022-02-01. Review status: criteria provided, single submitter. Criteria: ACMG Guidelines, 2015. Collection method: clinical testing. Allele origin: germline. Not counted in ClinVar's aggregate classification.

CeGaT Center for Human Genetics Tuebingen
Classification: Pathogenic. Last evaluated: 2021-06-01. Review status: criteria provided, single submitter. Criteria: CeGaT Center For Human Genetics Tuebingen Variant Classification Criteria Version 2. Collection method: clinical testing. Allele origin: germline. Affected: yes. Observed: 1 variant allele. Not counted in ClinVar's aggregate classification.

Institute of Medical Genetics and Applied Genomics, University Hospital Tübingen
Classification: Pathogenic. Last evaluated: 2020-10-23. Review status: criteria provided, single submitter. Criteria: ACMG Guidelines, 2015. Collection method: clinical testing. Allele origin: germline. Inheritance: Autosomal recessive inheritance. Affected: yes. Not counted in ClinVar's aggregate classification.

Eurofins Ntd Llc (ga)
Classification: Pathogenic. Last evaluated: 2016-01-15. Review status: criteria provided, single submitter. Criteria: EGL Classification Definitions. Collection method: clinical testing. Allele origin: germline. Observed: 1 variant allele, 1 heterozygote. Not counted in ClinVar's aggregate classification.

Eye Genetics Research Group, Children's Medical Research Institute
Classification: Pathogenic for Anterior segment dysgenesis. Last evaluated: 2020-03-31. Review status: no assertion criteria provided. Collection method: clinical testing. Allele origin: inherited. Affected: yes. Not counted in ClinVar's aggregate classification.

Institute of Medical Molecular Genetics, University of Zurich
Classification: Pathogenic for Glaucoma 3A. Last evaluated: 2019-08-01. Review status: no assertion criteria provided. Collection method: research. Allele origin: maternal, unknown. Affected: yes and no. Observed: 1 heterozygote, 2 compound heterozygotes. Segregation with disease observed. Not counted in ClinVar's aggregate classification.

Eye Genetics Research Group, Children's Medical Research Institute
Classification: Pathogenic for Irido-corneo-trabecular dysgenesis. Last evaluated: 2012-03-30. Review status: no assertion criteria provided. Collection method: research. Allele origin: maternal. Affected: yes. Not counted in ClinVar's aggregate classification.

OMIM
Classification: Pathogenic for GLAUCOMA 3, PRIMARY CONGENITAL, A. Last evaluated: 1998-03-01. Review status: no assertion criteria provided. Collection method: literature only. Allele origin: germline. Not counted in ClinVar's aggregate classification.

Literature cited by the submitters: PubMed 23218183 (cited by Women's Health and Genetics/Laboratory Corporation of America, LabCorp); PubMed 9497261 (cited by 5 submitters); PubMed 17591938 (cited by 3 submitters); PubMed 28448622 (cited by Dasa and Labcorp Genetics (formerly Invitae), Labcorp); PubMed 19234632 (cited by Labcorp Genetics (formerly Invitae), Labcorp); PubMed 23922489 (cited by Labcorp Genetics (formerly Invitae), Labcorp); PubMed 24281366 (cited by Labcorp Genetics (formerly Invitae), Labcorp and Eye Genetics Research Group, Children's Medical Research Institute); PubMed 27272408 (cited by Labcorp Genetics (formerly Invitae), Labcorp); PubMed 17914928 (cited by Variantyx, Inc.); PubMed 32499604 (cited by Eye Genetics Research Group, Children's Medical Research Institute); PubMed 32832252 (cited by Institute of Medical Molecular Genetics, University of Zurich).